The following is an entry in ClinVar:

ClinVar aggregate classification (germline): Likely benign (0 of 4 stars; one submission).

Conditions:
UGT1A1-related disorder. Also called: UGT1A1-related condition; UGT1A1-related disorders.

Allele frequency attached by ClinVar (database versions not stated): gnomAD 0.00006.
gnomAD v4.1: 9 of 151,946 alleles (0.0059%); highest among the groups gnomAD compares: African/African-American, 0.019%; no homozygotes.

Submission:

PreventionGenetics, part of Exact Sciences
Classification: Likely benign for UGT1A1-related condition. Last evaluated: 2021-09-21. Review status: no assertion criteria provided. Collection method: clinical testing. Allele origin: germline.
Comment: This variant is classified as likely benign based on ACMG/AMP sequence variant interpretation guidelines (Richards et al. 2015 PMID: 25741868, with internal and published modifications).

NC_000002.12:g.233756997A>G

Genes: UGT1A (UDP glucuronosyltransferase family 1 member A complex locus; plus strand), UGT1A1 (UDP glucuronosyltransferase family 1 member A1; plus strand), UGT1A10 (UDP glucuronosyltransferase family 1 member A10; plus strand), UGT1A3 (UDP glucuronosyltransferase family 1 member A3; plus strand), UGT1A4 (UDP glucuronosyltransferase family 1 member A4; plus strand) and 5 more. Cytogenetic location: 2q37.1.
Variant type: single nucleotide variant.
Molecular consequence: intron variant (on NM_019076.5).
Genome position: GRCh38 VCF-style: chr2-233756997-A-G. GRCh37 (hg19) VCF-style: chr2-234665643-A-G.
Other names: c.856-10037A>G (NM_019076.5, NM_019075.4, NM_021027.3 and 1 more transcripts); c.61-10037A>G (NM_205862.3); c.862-10037A>G (NM_001072.4); c.868-10037A>G (NM_019078.2, NM_007120.3, NM_019093.4).
Identifiers: ClinVar variation 3057417 (VCV003057417.2), dbSNP rs1051475353, ClinGen allele CA67627552.
Genomic context (GRCh38, chr2:233,756,997, plus strand): 5'-ACCTGAAACCCGGACTTGGCACTTGGTAAGCACGCAATGAACAGTCATAGTAAGCTGGCC[A>G]AGGGTAGAGTTCAGTTTGAACAAAGCAATTTGAGAACATCAAAGGAAGTTTGGGGAACAG-3'